The following is an entry in ClinVar:

ClinVar aggregate classification (germline): Uncertain significance (1 of 4 stars; one submission).

Submission:

ISCA site 4
Classification: Uncertain significance. Last evaluated: 2011-08-12. Review status: criteria provided, single submitter. Criteria: Kaminsky et al. (Genet Med. 2011). Collection method: clinical testing. Allele origin: unknown. Affected: yes. Observed: 1 variant allele.
Comment: Copy number variation identified through the course of routine clinical cytogenomic testing in postnatal populations. Clinical assertions have been curated as described in Kaminsky et al. 2011.

GRCh38/hg38 5p15.33(chr5:138272-710438)x3

Genes: AHRR (aryl hydrocarbon receptor repressor; plus strand), CCDC127 (coiled-coil domain containing 127; minus strand), CEP72 (centrosomal protein 72), CEP72-DT (CEP72 divergent transcript), EXOC3 (exocyst complex component 3; plus strand) and 85 more. Cytogenetic location: 5p15.33.
Variant type: copy number gain.
Change: copy number 3 (three copies instead of two) of chr5:138,272-710,438 (572.2 kb, GRCh38 coordinates, 1-based), cytogenetic band 5p15.33.
Identifiers: ClinVar variation 57402 (VCV000057402.1).